The following is an entry in ClinVar:

NM_001042492.3(NF1):c.7423A>G (p.Thr2475Ala)

Gene: NF1 (neurofibromin 1; plus strand). Cytogenetic location: 17q11.2.
Variant type: single nucleotide variant.
Coding change: c.7423A>G on transcript NM_001042492.3 (MANE Select); coding-DNA position 7423, A replaced by G.
Protein change: p.Thr2475Ala; replaces threonine 2475 with alanine.
Molecular consequence: missense variant.
Genome position (GRCh38, 1-based): chr17:31,350,284, A>G. VCF-style: chr17-31350284-A-G. GRCh37 (hg19) VCF-style: chr17-29677302-A-G.
Other names: c.7360A>G, p.Thr2454Ala (NM_000267.4); short protein forms T2454A, T2475A.
Identifiers: ClinVar variation 640408 (VCV000640408.6), dbSNP rs1597859789, ClinGen allele CA399017160.
Genomic context (GRCh38, chr17:31,350,284, plus strand): 5'-CTAAAACATAGAAAGTCACTTCTTCTTACTGATATTTCAATGGAAAATGTTCCTATGGAT[A>G]CATATCCCATTCATCATGGTGACCCTTCCTATAGGTAAGTGGATTTACTCTCCTATAATT-3'
Protein context (NP_001035957.1, residues 2465-2485): DISMENVPMD[Thr2475Ala]YPIHHGDPSY

ClinVar aggregate classification (germline): Uncertain significance. Review status: criteria provided, multiple submitters, no conflicts (2 of 4 stars). 2 submissions from 2 submitters: Uncertain significance (2). Last evaluated 2024-07-16.

Conditions:
Neurofibromatosis, type 1 (NF1). Also called: NEUROFIBROMATOSIS, TYPE I, SOMATIC; VON RECKLINGHAUSEN DISEASE; Neurofibromatosis, type I; Peripheral type neurofibromatosis. Identifiers: Orphanet 636, MedGen C0027831, MONDO:0018975, OMIM 162200. Disease mechanism: loss of function.

Allele frequency attached by ClinVar (database versions not stated): gnomAD exomes below 0.00001.
gnomAD v4.1: 1 of 1,613,044 alleles (0.000062%); highest among the groups gnomAD compares: Non-Finnish European, 0.000085%; no homozygotes.

Submissions (2):

Labcorp Genetics (formerly Invitae), Labcorp
Classification: Uncertain significance for Neurofibromatosis, type 1. Last evaluated: 2024-07-16. Review status: criteria provided, single submitter. Criteria: Invitae Variant Classification Sherloc (09022015). Collection method: clinical testing. Allele origin: germline.
Comment: This sequence change replaces threonine, which is neutral and polar, with alanine, which is neutral and non-polar, at codon 2454 of the NF1 protein (p.Thr2454Ala). This variant is not present in population databases (gnomAD no frequency). This variant has not been reported in the literature in individuals affected with NF1-related conditions. ClinVar contains an entry for this variant (Variation ID: 640408). Advanced modeling of protein sequence and biophysical properties (such as structural, functional, and spatial information, amino acid conservation, physicochemical variation, residue mobility, and thermodynamic stability) performed at Invitae indicates that this missense variant is not expected to disrupt NF1 protein function with a negative predictive value of 95%. In summary, the available evidence is currently insufficient to determine the role of this variant in disease. Therefore, it has been classified as a Variant of Uncertain Significance.

GeneDx
Classification: Uncertain significance. Last evaluated: 2024-07-02. Review status: criteria provided, single submitter. Criteria: GeneDx Variant Classification Process June 2021. Collection method: clinical testing. Allele origin: germline. Affected: yes.
Comment: Not observed at significant frequency in large population cohorts (gnomAD); In silico analysis indicates that this missense variant does not alter protein structure/function; Has not been previously published as pathogenic or benign to our knowledge; This variant is associated with the following publications: (PMID: 25486365)